The following is an entry in ClinVar:

NM_001035.3(RYR2):c.14326G>C (p.Val4776Leu)

Gene: RYR2 (ryanodine receptor 2; plus strand). Cytogenetic location: 1q43.
Variant type: single nucleotide variant.
Coding change: c.14326G>C on transcript NM_001035.3 (MANE Select); coding-DNA position 14326, G replaced by C.
Protein change: p.Val4776Leu; replaces valine 4776 with leucine.
Molecular consequence: missense variant.
Genome position (GRCh38, 1-based): chr1:237,808,928, G>C. VCF-style: chr1-237808928-G-C. GRCh37 (hg19) VCF-style: chr1-237972228-G-C.
Other names: short protein forms V4776L.
Identifiers: ClinVar variation 4758024 (VCV004758024.1).
Genomic context (GRCh38, chr1:237,808,928, plus strand): 5'-CTAATACCTGGTCCTTGTCACATTGTTTTCCAGCTCGTATTAACCGTTGGCTTATTAGCT[G>C]TTGTTGTATACCTATACACTGTGGTGGCATTCAATTTTTTCCGAAAATTCTACAATAAAA-3'
Protein context (NP_001026.2, residues 4766-4786): QLVLTVGLLA[Val4776Leu]VVYLYTVVAF

ClinVar aggregate classification (germline): Uncertain significance (1 of 4 stars; one submission).

Conditions:
Cardiomyopathy (CMYO). Also called: Cardiomyopathies. Identifiers: Orphanet 167848, MedGen C0878544, MONDO:0004994, HP:0001638. Inheritance: Various modes of inheritance.

Submission:

Color Diagnostics, LLC DBA Color Health
Classification: Uncertain significance for Cardiomyopathy. Last evaluated: 2025-08-24. Review status: criteria provided, single submitter. Criteria: ACMG Guidelines, 2015. Collection method: clinical testing. Allele origin: germline.
Comment: This missense variant replaces valine with leucine at codon 4776 of the RYR2 protein. Computational prediction suggests that this variant may have deleterious impact on protein structure and function. To our knowledge, functional studies have not been reported for this variant. This variant has not been reported in individuals affected with RYR2-related disorders in the literature. This variant has not been identified in the general population by the Genome Aggregation Database (gnomAD). The available evidence is insufficient to determine the role of this variant in disease conclusively. Therefore, this variant is classified as a Variant of Uncertain Significance.